The following is an entry in ClinVar:

ClinVar aggregate classification (germline): Uncertain significance (1 of 4 stars; one submission).

Conditions:
Episodic ataxia type 2 (EA2). Also called: ATAXIA, EPISODIC, WITH NYSTAGMUS; ATAXIA, FAMILIAL PAROXYSMAL; CEREBELLAR ATAXIA, PAROXYSMAL, ACETAZOLAMIDE-RESPONSIVE; CEREBELLOPATHY, HEREDITARY PAROXYSMAL; ACETAZOLAMIDE-RESPONSIVE HEREDITARY PAROXYSMAL CEREBELLAR ATAXIA; EPISODIC ATAXIA, NYSTAGMUS-ASSOCIATED. Identifiers: Orphanet 97, MedGen C1720416, MONDO:0007163, OMIM 108500.
Developmental and epileptic encephalopathy, 42 (DEE42A). Also called: DEVELOPMENTAL AND EPILEPTIC ENCEPHALOPATHY 42A; EPILEPTIC ENCEPHALOPATHY, EARLY INFANTILE, 42A; Epileptic encephalopathy, early infantile, 42. Identifiers: MedGen C4310716, MONDO:0014917, OMIM 617106.

Allele frequency attached by ClinVar (database versions not stated): gnomAD exomes below 0.00001; ExAC 0.00001.
gnomAD v4.1: 1 of 1,602,536 alleles (0.000062%); highest among the groups gnomAD compares: Non-Finnish European, 0.000085%; no homozygotes.

Submission:

Labcorp Genetics (formerly Invitae), Labcorp
Classification: Uncertain significance for Developmental and epileptic encephalopathy, 42; Episodic ataxia type 2. Last evaluated: 2022-11-01. Review status: criteria provided, single submitter. Criteria: Invitae Variant Classification Sherloc (09022015). Collection method: clinical testing. Allele origin: germline.
Comment: This sequence change replaces alanine, which is neutral and non-polar, with serine, which is neutral and polar, at codon 33 of the CACNA1A protein (p.Ala33Ser). The frequency data for this variant in the population databases is considered unreliable, as metrics indicate poor data quality at this position in the gnomAD database. In summary, the available evidence is currently insufficient to determine the role of this variant in disease. Therefore, it has been classified as a Variant of Uncertain Significance. Advanced modeling of protein sequence and biophysical properties (such as structural, functional, and spatial information, amino acid conservation, physicochemical variation, residue mobility, and thermodynamic stability) performed at Invitae indicates that this missense variant is not expected to disrupt CACNA1A protein function. ClinVar contains an entry for this variant (Variation ID: 1504026). This variant has not been reported in the literature in individuals affected with CACNA1A-related conditions.

NM_001127222.2(CACNA1A):c.97G>T (p.Ala33Ser)

Gene: CACNA1A (calcium voltage-gated channel subunit alpha1 A; minus strand). Cytogenetic location: 19p13.13.
Variant type: single nucleotide variant.
Coding change: c.97G>T on transcript NM_001127222.2 (MANE Select); coding-DNA position 97, G replaced by T.
Protein change: p.Ala33Ser; replaces alanine 33 with serine.
Molecular consequence: missense variant.
Genome position (GRCh38, 1-based): chr19:13,506,128, C>A on the plus strand (G>T on the coding strand, the complement: CACNA1A is on the minus strand). VCF-style: chr19-13506128-C-A. GRCh37 (hg19) VCF-style: chr19-13616942-C-A.
Other names: c.97G>T, p.Ala33Ser (NM_000068.4, NM_001127221.2, NM_001174080.2 and 1 more transcripts); short protein forms A33S.
Identifiers: ClinVar variation 1504026 (VCV001504026.8), dbSNP rs749474997, ClinGen allele CA9241102.